The following is an entry in ClinVar:

NM_004415.4(DSP):c.604A>G (p.Met202Val)

Gene: DSP (desmoplakin; plus strand). Cytogenetic location: 6p24.3.
Variant type: single nucleotide variant.
Coding change: c.604A>G on transcript NM_004415.4 (MANE Select); coding-DNA position 604, A replaced by G.
Protein change: p.Met202Val; replaces methionine 202 with valine.
Molecular consequence: missense variant.
Genome position (GRCh38, 1-based): chr6:7,562,658, A>G. VCF-style: chr6-7562658-A-G. GRCh37 (hg19) VCF-style: chr6-7562891-A-G.
Other names: c.604A>G, p.Met202Val (NM_001008844.3, NM_001319034.2, NM_001406591.1); short protein forms M202V.
Identifiers: ClinVar variation 1751261 (VCV001751261.7), dbSNP rs1184593852, ClinGen allele CA362673112.

ClinVar aggregate classification (germline): Conflicting classifications of pathogenicity. Review status: criteria provided, conflicting classifications (1 of 4 stars). 2 submissions from 2 submitters: Uncertain significance (1); Likely benign (1). Last evaluated 2022-08-09.

Conditions:
Arrhythmogenic cardiomyopathy with wooly hair and keratoderma. Also called: PALMOPLANTAR KERATODERMA WITH LEFT VENTRICULAR CARDIOMYOPATHY AND WOOLLY HAIR; Carvajal syndrome; Dilated cardiomyopathy with woolly hair and keratoderma; Arrhythmogenic cardiomyopathy with woolly hair and keratoderma. Identifiers: Orphanet 65282, MedGen C1854063, MONDO:0011581, OMIM 605676.
Arrhythmogenic right ventricular dysplasia 8 (ARVD8). Also called: Arrhythmogenic Right Ventricular Dysplasia/Cardiomyopathy 8; ARRHYTHMOGENIC RIGHT VENTRICULAR DYSPLASIA, FAMILIAL, 8; ARRHYTHMOGENIC RIGHT VENTRICULAR CARDIOMYOPATHY 8. Identifiers: MedGen C1843896, MONDO:0011831, OMIM 607450.
Cardiovascular phenotype. Identifiers: MedGen CN230736.

Allele frequency attached by ClinVar (database versions not stated): gnomAD exomes below 0.00001.

Submissions (2):

Labcorp Genetics (formerly Invitae), Labcorp
Classification: Likely benign for Arrhythmogenic cardiomyopathy with wooly hair and keratoderma; Arrhythmogenic right ventricular dysplasia 8. Last evaluated: 2022-08-09. Review status: criteria provided, single submitter. Criteria: Invitae Variant Classification Sherloc (09022015). Collection method: clinical testing. Allele origin: germline.

Ambry Genetics
Classification: Uncertain significance for Cardiovascular phenotype. Last evaluated: 2022-04-09. Review status: criteria provided, single submitter. Criteria: Ambry Variant Classification Scheme 2023. Collection method: clinical testing. Allele origin: germline.
Comment: The p.M202V variant (also known as c.604A>G), located in coding exon 5 of the DSP gene, results from an A to G substitution at nucleotide position 604. The methionine at codon 202 is replaced by valine, an amino acid with highly similar properties. This amino acid position is conserved. In addition, the in silico prediction for this alteration is inconclusive. Since supporting evidence is limited at this time, the clinical significance of this alteration remains unclear.